The following is an entry in ClinVar:

NM_000051.4(ATM):c.8448dup (p.Tyr2817fs)

Genes: ATM (ATM serine/threonine kinase; plus strand), C11orf65 (chromosome 11 open reading frame 65; minus strand). Cytogenetic location: 11q22.3.
Variant type: Duplication.
Coding change: c.8448dup on transcript NM_000051.4 (MANE Select); coding-DNA position 8448, one base duplicated (A; older notation c.8448dupA).
Protein change: p.Tyr2817fs; shifts the reading frame from tyrosine 2817.
Molecular consequence: frameshift variant. On other transcripts: intron variant (2).
Genome position (GRCh38, 1-based): chr11:108,345,772, A duplicated; the last of 3 consecutive A bases (chr11:108,345,770-108,345,772); duplicating any one gives the same sequence. VCF-style (leftmost placement, unchanged base first): chr11-108345769-G-GA. GRCh37 (hg19) VCF-style: chr11-108216496-G-GA.
Other names: c.8448dup, p.Tyr2817fs (NM_001351834.2); c.641-36699dup (NM_001330368.2); c.695-10478dup (NM_001351110.2); short protein forms Y2817fs.
Identifiers: ClinVar variation 3906169 (VCV003906169.1).
Genomic context (GRCh38, chr11:108,345,769, plus strand): 5'-TTGAAAAATAATTATATATATTCTCTATTTAAAGGAGGTGCAAAAAAAGTCTTTTGAAGA[G>GA]AAATATGAAGTCTTCATGGATGTTTGCCAAAATTTTCAACCAGTTTTCCGTTACTTCTGC-3'

ClinVar aggregate classification (germline): Pathogenic (1 of 4 stars; one submission).

Conditions:
Hereditary cancer-predisposing syndrome. Also called: Neoplastic Syndromes, Hereditary; Tumor predisposition; Hereditary Cancer Syndrome; Hereditary neoplastic syndrome. Identifiers: Orphanet 140162, MedGen C0027672, MeSH D009386, MONDO:0015356.

Submission:

Hereditary Cancer Laboratory, Hospital Universitario 12 de Octubre
Classification: Pathogenic for Hereditary cancer-predisposing syndrome. Last evaluated: 2024-08-08. Review status: criteria provided, single submitter. Criteria: ACMG Guidelines, 2015. Collection method: clinical testing. Allele origin: germline.
Comment: PVS1+PM2